The following is an entry in ClinVar:

ClinVar aggregate classification (germline): Pathogenic (1 of 4 stars; one submission).

Conditions:
Hereditary nonpolyposis colorectal neoplasms. Identifiers: MedGen C0009405, MeSH D003123.

Submission:

Labcorp Genetics (formerly Invitae), Labcorp
Classification: Pathogenic for Hereditary nonpolyposis colorectal neoplasms. Last evaluated: 2022-08-08. Review status: criteria provided, single submitter. Criteria: Invitae Variant Classification Sherloc (09022015). Collection method: clinical testing. Allele origin: germline.
Comment: This variant is a gross deletion of the genomic region encompassing exon(s) 9-11 of the PMS2 gene. This deletion is out-of-frame, and is expected to create a premature termination codon and result in an absent or disrupted protein product. Loss-of-function variants in PMS2 are known to be pathogenic (PMID: 21376568, 24362816). A similar copy number variant has been observed in individual(s) with Lynch syndrome (PMID: 26110232). For these reasons, this variant has been classified as Pathogenic.

Literature cited by the submitters: PubMed 21376568; PubMed 24362816; PubMed 26110232.

NC_000007.14:g.(?_5986749)_(5992067_?)del

Gene: PMS2 (PMS1 homolog 2, mismatch repair system component; minus strand). Cytogenetic location: 7p22.1.
Variant type: Deletion.
Identifiers: ClinVar variation 656811 (VCV000656811.3).